The following is an entry in ClinVar:

NM_001939.3(DRP2):c.94C>T (p.Arg32Ter)

Gene: DRP2 (dystrophin related protein 2; plus strand). Cytogenetic location: Xq22.1.
Variant type: single nucleotide variant.
Coding change: c.94C>T on transcript NM_001939.3 (MANE Select); coding-DNA position 94, C replaced by T.
Protein change: p.Arg32Ter; replaces arginine 32 with a stop codon.
Molecular consequence: nonsense. On other transcripts: intron variant (1).
Genome position (GRCh38, 1-based): chrX:101,231,741, C>T. VCF-style: chrX-101231741-C-T. GRCh37 (hg19) VCF-style: chrX-100486730-C-T.
Other names: c.-117-4119C>T (NM_001171184.2); short protein forms R32*.
Identifiers: ClinVar variation 3015752 (VCV003015752.3), dbSNP rs781126747, ClinGen allele CA10471990.

ClinVar aggregate classification (germline): Pathogenic (1 of 4 stars; one submission).

Allele frequency attached by ClinVar (database versions not stated): ExAC 0.00001; TOPMed 0.00001.

Submission:

Labcorp Genetics (formerly Invitae), Labcorp
Classification: Pathogenic. Last evaluated: 2023-10-03. Review status: criteria provided, single submitter. Criteria: Invitae Variant Classification Sherloc (09022015). Collection method: clinical testing. Allele origin: germline.
Comment: This sequence change creates a premature translational stop signal (p.Arg32*) in the DRP2 gene. It is expected to result in an absent or disrupted protein product. Loss-of-function variants in DRP2 are known to be pathogenic (PMID: 22764250, 26227883). This variant is present in population databases (rs781126747, gnomAD 0.002%). This variant has not been reported in the literature in individuals affected with DRP2-related conditions. For these reasons, this variant has been classified as Pathogenic.

Literature cited by the submitters: PubMed 22764250; PubMed 26227883.